The following is an entry in ClinVar:

NM_000540.3(RYR1):c.9037C>G (p.His3013Asp)

Gene: RYR1 (ryanodine receptor 1; plus strand). Cytogenetic location: 19q13.2.
Variant type: single nucleotide variant.
Coding change: c.9037C>G on transcript NM_000540.3 (MANE Select); coding-DNA position 9037, C replaced by G.
Protein change: p.His3013Asp; replaces histidine 3013 with aspartic acid.
Molecular consequence: missense variant.
Genome position (GRCh38, 1-based): chr19:38,510,696, C>G. VCF-style: chr19-38510696-C-G. GRCh37 (hg19) VCF-style: chr19-39001336-C-G.
Other names: c.9037C>G, p.His3013Asp (NM_001042723.2); short protein forms H3013D.
Identifiers: ClinVar variation 3071693 (VCV003071693.1), dbSNP rs2514395003, ClinGen allele CA405683684.

ClinVar aggregate classification (germline): Uncertain significance (1 of 4 stars; one submission).

Conditions:
Malignant hyperthermia, susceptibility to, 1 (MHS1). Also called: Anesthesia related hyperthermia; Malignant hyperpyrexia; Fulminating hyperpyrexia; Pharmacogenic myopathy; RYR1-Related Malignant Hyperthermia Susceptibility; Malignant hyperthermia suceptibility 1. Identifiers: Orphanet 423, MedGen C2930980, MONDO:0007783, OMIM 145600.

Submission:

All of Us Research Program, National Institutes of Health
Classification: Uncertain significance for Malignant hyperthermia, susceptibility to, 1. Last evaluated: 2023-06-28. Review status: criteria provided, single submitter. Criteria: ACMG Guidelines, 2015. Collection method: clinical testing. Allele origin: germline. Inheritance: Autosomal dominant inheritance. Observed: 1 variant allele, 1 heterozygote.
Comment: This study involves interpretation of variants in research participants for the purpose of population health screening. Participant phenotype was not available at the time of variant classification. Additional details can be found in publication PMID: 35346344, PMCID: PMC8962531